The following is an entry in ClinVar:

NM_201384.3(PLEC):c.5879G>A (p.Arg1960His)

Gene: PLEC (plectin; minus strand). Cytogenetic location: 8q24.3.
Variant type: single nucleotide variant.
Coding change: c.5879G>A on transcript NM_201384.3 (MANE Select); coding-DNA position 5879, G replaced by A.
Protein change: p.Arg1960His; replaces arginine 1960 with histidine.
Molecular consequence: missense variant.
Genome position (GRCh38, 1-based): chr8:143,924,050, C>T on the plus strand (G>A on the coding strand, the complement: PLEC is on the minus strand). VCF-style: chr8-143924050-C-T. GRCh37 (hg19) VCF-style: chr8-144998218-C-T.
Other names: c.5960G>A, p.Arg1987His (NM_000445.5); c.5837G>A, p.Arg1946His (NM_201378.4); c.5813G>A, p.Arg1938His (NM_201379.3); c.6290G>A, p.Arg2097His (NM_201380.4); c.5783G>A, p.Arg1928His (NM_201381.3); c.5879G>A, p.Arg1960His (NM_201382.4); c.5891G>A, p.Arg1964His (NM_201383.3); short protein forms R1928H, R1938H, R1946H, R1960H, R1964H, R1987H, R2097H.
Identifiers: ClinVar variation 471617 (VCV000471617.20), dbSNP rs367679924, ClinGen allele CA4926205.

ClinVar aggregate classification (germline): Conflicting classifications of pathogenicity. Review status: criteria provided, conflicting classifications (1 of 4 stars). 6 submissions from 6 submitters: Uncertain significance (5); Likely benign (1). Last evaluated 2026-02-04.

Conditions:
PLEC-related disorder. Also called: PLEC-related disorders; PLEC-related condition.
Autosomal recessive limb-girdle muscular dystrophy type 2Q (LGMDR17). Also called: MUSCULAR DYSTROPHY, LIMB-GIRDLE, AUTOSOMAL RECESSIVE 17. Identifiers: Orphanet 254361, MedGen C3150989, MONDO:0013390, OMIM 613723.
Epidermolysis bullosa simplex with nail dystrophy (EBS5D). Identifiers: MedGen C4225309, MONDO:0014661, OMIM 616487.
Epidermolysis bullosa simplex 5C, with pyloric atresia (EBS5C). Also called: PLEC-Related Epidermolysis Bullosa with Pyloric Atresia; Epidermolysis bullosa simplex with pyloric atresia; PLEC1-Related Epidermolysis Bullosa with Pyloric Atresia. Identifiers: Orphanet 158684, MedGen C2677349, MONDO:0012807, OMIM 612138.
Epidermolysis bullosa simplex, Ogna type (EBS5A). Also called: Pidermolysis bullosa simplex 5A, Ogna type; EPIDERMOLYSIS BULLOSA SIMPLEX 5A, OGNA TYPE. Identifiers: Orphanet 79401, MedGen C0432317, MONDO:0007555, OMIM 131950.
Epidermolysis bullosa simplex 5B, with muscular dystrophy (EBS5B). Also called: EPIDERMOLYSIS BULLOSA SIMPLEX AND LIMB-GIRDLE MUSCULAR DYSTROPHY; Epidermolysis bullosa simplex with muscular dystrophy. Identifiers: Orphanet 257, MedGen C2931072, MONDO:0009181, OMIM 226670.
Inborn genetic diseases. Identifiers: MedGen C0950123, MeSH D030342.

Allele frequency attached by ClinVar (database versions not stated): gnomAD 0.00008; ExAC 0.00015; TOPMed 0.00015; ESP Exome Variant Server 0.00016.
gnomAD v4.1: 121 of 1,596,312 alleles (0.0076%); highest among the groups gnomAD compares: Admixed American, 0.048%; no homozygotes.

Submissions (6):

PreventionGenetics, part of Exact Sciences
Classification: Uncertain significance for PLEC-related condition. Last evaluated: 2026-02-04. Review status: criteria provided, single submitter. Criteria: ACMG Guidelines, 2015. Collection method: clinical testing. Allele origin: germline.
Comment: The PLEC c.5960G>A variant is predicted to result in the amino acid substitution p.Arg1987His. To our knowledge, this variant has not been reported in the literature. This variant is reported in 0.075% of alleles in individuals of Latino descent in gnomAD, which may be too frequent to be a primary cause of disease. Although we suspect that this variant may be benign, at this time, the clinical significance of this variant is uncertain due to the absence of conclusive functional and genetic evidence.

Labcorp Genetics (formerly Invitae), Labcorp
Classification: Uncertain significance for Autosomal recessive limb-girdle muscular dystrophy type 2Q; Epidermolysis bullosa simplex, Ogna type; Epidermolysis bullosa simplex with nail dystrophy; Epidermolysis bullosa simplex 5C, with pyloric atresia; Epidermolysis bullosa simplex 5B, with muscular dystrophy. Last evaluated: 2026-01-21. Review status: criteria provided, single submitter. Criteria: Invitae Variant Classification Sherloc (09022015). Collection method: clinical testing. Allele origin: germline.
Comment: This sequence change replaces arginine, which is basic and polar, with histidine, which is basic and polar, at codon 1987 of the PLEC protein (p.Arg1987His). This variant is present in population databases (rs367679924, gnomAD 0.07%). This variant has not been reported in the literature in individuals affected with PLEC-related conditions. ClinVar contains an entry for this variant (Variation ID: 471617). Experimental studies and prediction algorithms are not available or were not evaluated, and the functional significance of this variant is currently unknown. In summary, the available evidence is currently insufficient to determine the role of this variant in disease. Therefore, it has been classified as a Variant of Uncertain Significance.

Revvity Omics, Revvity
Classification: Uncertain significance. Last evaluated: 2025-05-21. Review status: criteria provided, single submitter. Criteria: ACMG Guidelines, 2015. Collection method: clinical testing. Allele origin: germline.

Ambry Genetics
Classification: Uncertain significance for Inborn genetic diseases. Last evaluated: 2022-02-17. Review status: criteria provided, single submitter. Criteria: Ambry Variant Classification Scheme 2023. Collection method: clinical testing. Allele origin: germline.

GeneDx
Classification: Likely benign. Last evaluated: 2020-04-02. Review status: criteria provided, single submitter. Criteria: GeneDx Variant Classification Process June 2021. Collection method: clinical testing. Allele origin: germline. Affected: yes.

Eurofins Ntd Llc (ga)
Classification: Uncertain significance. Last evaluated: 2017-11-17. Review status: criteria provided, single submitter. Criteria: EGL Classification Definitions 2015. Collection method: clinical testing. Allele origin: germline. Observed: 3 variant alleles, 3 heterozygotes.